The following is an entry in ClinVar:

ClinVar aggregate classification (germline): Likely benign. Review status: criteria provided, multiple submitters, no conflicts (2 of 4 stars). 6 submissions from 6 submitters: Likely benign (6). Last evaluated 2026-06-14.

Conditions:
RECQL4-related disorder. Also called: RECQL4-related condition; RECQL4-related disorders.
Hereditary cancer-predisposing syndrome. Also called: Neoplastic Syndromes, Hereditary; Hereditary neoplastic syndrome; Hereditary Cancer Syndrome; Tumor predisposition. Identifiers: Orphanet 140162, MedGen C0027672, MeSH D009386, MONDO:0015356.
Baller-Gerold syndrome (BGS). Also called: CRANIOSYNOSTOSIS WITH RADIAL DEFECTS. Identifiers: Orphanet 1225, MedGen C0265308, MONDO:0009039, OMIM 218600.

Allele frequency attached by ClinVar (database versions not stated): ESP Exome Variant Server 0.00032; ExAC 0.00053; gnomAD exomes 0.00053 and 0.00061; gnomAD 0.00068 and 0.00073; TOPMed 0.00100.

Submissions (7):

PreventionGenetics, part of Exact Sciences
Classification: Likely benign for RECQL4-related condition. Last evaluated: 2026-06-14. Review status: criteria provided, single submitter. Criteria: ACMG Guidelines, 2015. Collection method: clinical testing. Allele origin: germline.
Comment: This variant is classified as likely benign based on ACMG/AMP sequence variant interpretation guidelines (Richards et al. 2015 PMID: 25741868, with internal and published modifications).

Labcorp Genetics (formerly Invitae), Labcorp
Classification: Likely benign for Baller-Gerold syndrome. Last evaluated: 2026-01-26. Review status: criteria provided, single submitter. Criteria: Invitae Variant Classification Sherloc (09022015). Collection method: clinical testing. Allele origin: germline.

Blueprint Genetics
Classification: Likely benign. Last evaluated: 2024-09-13. Review status: criteria provided, single submitter. Criteria: ACMG Guidelines, 2015. Collection method: clinical testing. Allele origin: germline.

Sema4
Classification: Likely benign for Hereditary cancer-predisposing syndrome. Last evaluated: 2022-01-18. Review status: criteria provided, single submitter. Criteria: Sema4 Curation Guidelines. Collection method: curation. Allele origin: germline.

GeneDx
Classification: Likely benign. Last evaluated: 2021-03-31. Review status: criteria provided, single submitter. Criteria: GeneDx Variant Classification Process June 2021. Collection method: clinical testing. Allele origin: germline. Affected: yes.
Comment: In silico analysis supports that this missense variant has a deleterious effect on protein structure/function; This variant is associated with the following publications: (PMID: 30995915)

Breakthrough Genomics
Classification: Likely benign. Review status: criteria provided, single submitter. Criteria: ACMG Guidelines, 2015. Collection method: not provided. Allele origin: germline. Inheritance: Autosomal recessive inheritance. Affected: yes.

Dr. Peter K. Rogan Lab, Western University
No classification provided (evidence only). Condition: Thyroid cancer, nonmedullary, 1. Review status: no classification provided. Collection method: in vitro. Allele origin: not applicable. Functional consequence: retained intron. Not counted in ClinVar's aggregate classification.

NM_004260.4(RECQL4):c.1847A>G (p.Asn616Ser)

Gene: RECQL4 (RecQ like helicase 4; minus strand). Cytogenetic location: 8q24.3.
Variant type: single nucleotide variant.
Coding change: c.1847A>G on transcript NM_004260.4 (MANE Select); coding-DNA position 1847, A replaced by G.
Protein change: p.Asn616Ser; replaces asparagine 616 with serine.
Molecular consequence: missense variant.
Genome position (GRCh38, 1-based): chr8:144,514,220, T>C on the plus strand (A>G on the coding strand, the complement: RECQL4 is on the minus strand). VCF-style: chr8-144514220-T-C. GRCh37 (hg19) VCF-style: chr8-145739604-T-C.
Other names: short protein forms N616S.
Identifiers: ClinVar variation 239710 (VCV000239710.17), dbSNP rs199654783, ClinGen allele CA4948639.